The following is an entry in ClinVar:

NM_001162501.2(TNRC6B):c.1828C>T (p.Arg610Ter)

Gene: TNRC6B (trinucleotide repeat containing adaptor 6B; plus strand). Cytogenetic location: 22q13.1.
Variant type: single nucleotide variant.
Coding change: c.1828C>T on transcript NM_001162501.2 (MANE Select); coding-DNA position 1828, C replaced by T.
Protein change: p.Arg610Ter; replaces arginine 610 with a stop codon.
Molecular consequence: nonsense. On other transcripts: intron variant (1).
Genome position (GRCh38, 1-based): chr22:40,266,058, C>T. VCF-style: chr22-40266058-C-T. GRCh37 (hg19) VCF-style: chr22-40662062-C-T.
Other names: c.1828C>T, p.Arg610Ter (NM_015088.3); c.565+3885C>T (NM_001024843.2); short protein forms R610*.
Identifiers: ClinVar variation 3372614 (VCV003372614.4).

ClinVar aggregate classification (germline): Conflicting classifications of pathogenicity. Review status: criteria provided, conflicting classifications (1 of 4 stars). 3 submissions from 3 submitters: Likely pathogenic (2); Uncertain significance (1). Last evaluated 2026-01-26.

Conditions:
Global developmental delay with speech and behavioral abnormalities. Identifiers: MedGen C5543226, MONDO:0030995, OMIM 619243.
TNRC6B-related disorder. Also called: TNRC6B-related condition.

gnomAD v4.1: 2 of 1,613,684 alleles (0.00012%); highest among the groups gnomAD compares: Non-Finnish European, 0.000085%; no homozygotes.

Submissions (3):

Medical and Scientific Branch, Hong Kong Genome Institute
Classification: Likely pathogenic for Global developmental delay with speech and behavioral abnormalities. Last evaluated: 2026-01-26. Review status: criteria provided, single submitter. Criteria: ACMG Guidelines, 2015. Collection method: clinical testing. Allele origin: unknown. Affected: yes.

GeneDx
Classification: Uncertain significance. Last evaluated: 2025-04-04. Review status: criteria provided, single submitter. Criteria: GeneDx Variant Classification Process June 2021. Collection method: clinical testing. Allele origin: germline. Affected: yes.
Comment: Reported as a de novo variant in an individual with a developmental disorder; however detailed clinical information was not provided and a de novo variant in another gene that may contribute to the phenotype was identified (PMID: 33057194); Nonsense variant predicted to result in protein truncation or nonsense mediated decay in a gene for which loss of function is a known mechanism of disease; De novo variant with confirmed parentage in patients referred for genetic testing at GeneDx; however, the reported clinical features are only partially consistent with the features typically observed in individuals with pathogenic variants in this gene; This variant is associated with the following publications: (PMID: 33057194, 35982159)

PreventionGenetics, part of Exact Sciences
Classification: Likely pathogenic for TNRC6B-related condition. Last evaluated: 2024-12-06. Review status: criteria provided, single submitter. Criteria: ACMG Guidelines, 2015. Collection method: clinical testing. Allele origin: germline.
Comment: The TNRC6B c.1828C>T variant is predicted to result in premature protein termination (p.Arg610*). This variant was reported in two large cohort studies of individuals with developmental disorders, although little information was provided concerning phenotype (Kaplanis et al. 2020. PubMed ID: 33057194; Zhou et al. 2022. PubMed ID: 35982159). This variant is reported in 0.0095% of alleles in individuals of European (Finnish) descent in gnomAD. Loss of function variants upstream and downstream of this position have been reported in individuals with intellectual disability and developmental delay phenotypes, particularly in exon 5 (NM_0011625501.1) (Figure 2, Table S1, Granadillo et al. 2020. PubMed ID: 32152250). Nonsense variants in TNRC6B are expected to be pathogenic. This variant is interpreted as likely pathogenic.